The following is an entry in ClinVar:

ClinVar aggregate classification (germline): Likely pathogenic (1 of 4 stars; one submission).

Conditions:
Isovaleryl-CoA dehydrogenase deficiency (IVA). Also called: ISOVALERIC ACID CoA DEHYDROGENASE DEFICIENCY; Classic Isovaleric Acidemia; Isovaleric acidemia; IVD DEFICIENCY. Identifiers: Orphanet 33, MedGen C0268575, MONDO:0009475, OMIM 243500.

Submissions (2):

Myriad Genetics, Inc.
Classification: Likely pathogenic for Isovaleryl-CoA dehydrogenase deficiency. Last evaluated: 2022-02-05. Review status: criteria provided, single submitter. Criteria: Myriad Women's Health Autosomal Recessive and X-Linked Classification Criteria (2021). Collection method: clinical testing. Allele origin: unknown.
Comment: NM_002225.3(IVD):c.967C>T(Q323*) is expected to be pathogenic in the context of isovaleric acidemia. This variant is predicted to lead to an abnormal or absent protein product due to the creation of a premature termination codon in IVD, a gene where loss-of-function variants are known to be pathogenic. Please note: this variant was assessed in the context of healthy population screening.

Dr. Peter K. Rogan Lab, Western University
No classification provided (evidence only). Condition: Melanoma. Review status: no classification provided. Collection method: in vitro. Allele origin: not applicable. Functional consequence: retained intron. Not counted in ClinVar's aggregate classification.

NM_002225.5(IVD):c.958C>T (p.Gln320Ter)

Gene: IVD (isovaleryl-CoA dehydrogenase; plus strand). Cytogenetic location: 15q15.1.
Variant type: single nucleotide variant.
Coding change: c.958C>T on transcript NM_002225.5 (MANE Select); coding-DNA position 958, C replaced by T.
Protein change: p.Gln320Ter; replaces glutamine 320 with a stop codon.
Molecular consequence: nonsense. On other transcripts: non-coding transcript variant (1).
Genome position (GRCh38, 1-based): chr15:40,415,480, C>T. VCF-style: chr15-40415480-C-T. GRCh37 (hg19) VCF-style: chr15-40707679-C-T.
Other names: NC_000015.9:g.40707679C>T; c.868C>T, p.Gln290Ter (NM_001159508.3); c.910C>T, p.Gln304Ter (NM_001354597.3); c.958C>T, p.Gln320Ter (NM_001354598.3, NM_001354601.3); c.1045C>T, p.Gln349Ter (NM_001354599.3, NM_001354600.3); short protein forms Q290*, Q304*, Q320*, Q349*.
Identifiers: ClinVar variation 1724292 (VCV001724292.3), dbSNP rs757351801, ClinGen allele CA391721835.